The following is an entry in ClinVar:

ClinVar aggregate classification (germline): Pathogenic (1 of 4 stars; one submission).

Conditions:
Epilepsy, familial focal, with variable foci 3 (FFEVF3). Identifiers: MedGen C4310708, MONDO:0014925, OMIM 617118.

Submission:

Labcorp Genetics (formerly Invitae), Labcorp
Classification: Pathogenic for Epilepsy, familial focal, with variable foci 3. Last evaluated: 2023-08-11. Review status: criteria provided, single submitter. Criteria: Invitae Variant Classification Sherloc (09022015). Collection method: clinical testing. Allele origin: unknown.
Comment: This variant results in the deletion of exon 1 and part of exon 2 (c.-1341_115del) of the NPRL3 gene. It is expected to result in an absent or disrupted protein product. Loss-of-function variants in NPRL3 are known to be pathogenic (PMID: 26285051, 26505888). This variant has not been reported in the literature in individuals affected with NPRL3-related conditions. For these reasons, this variant has been classified as Pathogenic.

Literature cited by the submitters: PubMed 26285051; PubMed 26505888.

NC_000016.9:g.(?_188152)_(189914_?)del

Gene: NPRL3 (NPR3 like, GATOR1 complex subunit; minus strand). Cytogenetic location: 16p13.3.
Variant type: Deletion.
Identifiers: ClinVar variation 3243564 (VCV003243564.1).